The following is an entry in ClinVar:

NM_001035.3(RYR2):c.4801A>G (p.Asn1601Asp)

Gene: RYR2 (ryanodine receptor 2; plus strand). Cytogenetic location: 1q43.
Variant type: single nucleotide variant.
Coding change: c.4801A>G on transcript NM_001035.3 (MANE Select); coding-DNA position 4801, A replaced by G.
Protein change: p.Asn1601Asp; replaces asparagine 1601 with aspartic acid.
Molecular consequence: missense variant.
Genome position (GRCh38, 1-based): chr1:237,610,879, A>G. VCF-style: chr1-237610879-A-G. GRCh37 (hg19) VCF-style: chr1-237774179-A-G.
Other names: short protein forms N1601D.
Identifiers: ClinVar variation 927501 (VCV000927501.5), dbSNP rs1677778043, ClinGen allele CA345402612.

ClinVar aggregate classification (germline): Uncertain significance (1 of 4 stars; one submission).

Conditions:
Cardiomyopathy (CMYO). Also called: Cardiomyopathies. Identifiers: Orphanet 167848, MedGen C0878544, MONDO:0004994, HP:0001638. Inheritance: Various modes of inheritance.

Submission:

Color Diagnostics, LLC DBA Color Health
Classification: Uncertain significance for Cardiomyopathy. Last evaluated: 2023-12-05. Review status: criteria provided, single submitter. Criteria: ACMG Guidelines, 2015. Collection method: clinical testing. Allele origin: germline.
Comment: This missense variant replaces asparagine with aspartic acid at codon 1601 of the RYR2 protein. Computational prediction tools and conservation analyses are inconclusive regarding the impact of this variant on the protein function. Computational splicing tools suggest that this variant may not impact RNA splicing. To our knowledge, functional assays have not been performed for this variant nor has this variant been reported in individuals affected with cardiovascular disorders in the literature. This variant has not been identified in the general population by the Genome Aggregation Database (gnomAD). Available evidence is insufficient to determine the role of this variant in disease conclusively. Therefore, this variant is classified as a Variant of Uncertain Significance.